The following is an entry in ClinVar:

Single allele

Genes: DM1-AS (DM1 locus antisense RNA; plus strand), DMPK (DM1 protein kinase; minus strand), MEIOSIN (meiosis initiator; plus strand), SIX5 (SIX homeobox 5; minus strand), LOC107075317 (origin of replication in DMPK trinucleotide repeat region; plus strand) and 8 more. Cytogenetic location: 19q13.32.
Variant type: Insertion.
Identifiers: ClinVar variation 4526326 (VCV004526326.1).

ClinVar aggregate classification (germline): Pathogenic (1 of 4 stars; one submission).

Conditions:
Male infertility. Identifiers: MedGen C0021364, MeSH D007248, MONDO:0005372, HP:0003251.

Submission:

Optical Genome Mapping Laboratory, Clinical Institute of Genomic Medicine, University Medical Center Ljubljana
Classification: Pathogenic for Male infertility. Last evaluated: 2025-09-19. Review status: criteria provided, single submitter. Criteria: ACMG/ClinGen CNV Guidelines, 2019. Collection method: research. Allele origin: unknown. Affected: yes. Observed: 1 heterozygote.
Comment: heterozygous, pathogenic expansion in DMPK confirmed using additional molecular testing